The following is an entry in ClinVar:

NM_139318.5(KCNH5):c.2641G>T (p.Ala881Ser)

Gene: KCNH5 (potassium voltage-gated channel subfamily H member 5; minus strand). Cytogenetic location: 14q23.2.
Variant type: single nucleotide variant.
Coding change: c.2641G>T on transcript NM_139318.5 (MANE Select); coding-DNA position 2641, G replaced by T.
Protein change: p.Ala881Ser; replaces alanine 881 with serine.
Molecular consequence: missense variant. On other transcripts: 3 prime UTR variant (1).
Genome position (GRCh38, 1-based): chr14:62,707,834, C>A on the plus strand (G>T on the coding strand, the complement: KCNH5 is on the minus strand). VCF-style: chr14-62707834-C-A. GRCh37 (hg19) VCF-style: chr14-63174552-C-A.
Other names: c.*608G>T (NM_172375.3); short protein forms A881S.
Identifiers: ClinVar variation 2744547 (VCV002744547.3), dbSNP rs772701292, ClinGen allele CA390100151.

ClinVar aggregate classification (germline): Uncertain significance (1 of 4 stars; one submission).

Conditions:
Early-infantile DEE. Also called: Early infantile epileptic encephalopathy with suppression bursts; Early infantile epileptic encephalopathy; Ohtahara syndrome. Identifiers: Orphanet 1934, MedGen C0393706, MONDO:0800491.

Submission:

Labcorp Genetics (formerly Invitae), Labcorp
Classification: Uncertain significance for Early-infantile DEE. Last evaluated: 2023-09-03. Review status: criteria provided, single submitter. Criteria: Invitae Variant Classification Sherloc (09022015). Collection method: clinical testing. Allele origin: germline.
Comment: In summary, the available evidence is currently insufficient to determine the role of this variant in disease. Therefore, it has been classified as a Variant of Uncertain Significance. Advanced modeling of protein sequence and biophysical properties (such as structural, functional, and spatial information, amino acid conservation, physicochemical variation, residue mobility, and thermodynamic stability) performed at Invitae indicates that this missense variant is not expected to disrupt KCNH5 protein function. This variant has not been reported in the literature in individuals affected with KCNH5-related conditions. This variant is present in population databases (no rsID available, gnomAD 0.0009%). This sequence change replaces alanine, which is neutral and non-polar, with serine, which is neutral and polar, at codon 881 of the KCNH5 protein (p.Ala881Ser).